The following is an entry in ClinVar:

NM_001378189.1(CFAP57):c.3010-346C>T

Genes: CFAP57 (cilia and flagella associated protein 57; plus strand), EBNA1BP2 (EBNA1 binding protein 2; minus strand), LOC105378685 (uncharacterized LOC105378685; minus strand). Cytogenetic location: 1p34.2.
Variant type: single nucleotide variant.
Coding change: c.3010-346C>T on transcript NM_001378189.1 (MANE Select); 346 bases into the intron before coding-DNA position 3010, C replaced by T.
Molecular consequence: intron variant. On other transcripts: nonsense (1).
Genome position (GRCh38, 1-based): chr1:43,232,162, C>T. VCF-style: chr1-43232162-C-T. GRCh37 (hg19) VCF-style: chr1-43697833-C-T.
Other names: c.3106C>T, p.Gln1036Ter (NM_001195831.3); short protein forms Q1036*.
Identifiers: ClinVar variation 3353930 (VCV003353930.1).

ClinVar aggregate classification (germline): Likely benign (0 of 4 stars; one submission).

Conditions:
CFAP57-related disorder. Also called: CFAP57-related condition.

gnomAD v4.1: 149 of 688,752 alleles (0.022%); highest among the groups gnomAD compares: Non-Finnish European, 0.037%; no homozygotes.

Submission:

PreventionGenetics, part of Exact Sciences
Classification: Likely benign for CFAP57-related condition. Last evaluated: 2024-07-25. Review status: no assertion criteria provided. Collection method: clinical testing. Allele origin: germline.
Comment: This variant is classified as likely benign based on ACMG/AMP sequence variant interpretation guidelines (Richards et al. 2015 PMID: 25741868, with internal and published modifications).